The following is an entry in ClinVar:

NM_001458.5(FLNC):c.6752C>T (p.Thr2251Ile)

Genes: FLNC-AS1 (FLNC antisense RNA 1; minus strand), FLNC (filamin C; plus strand). Cytogenetic location: 7q32.1.
Variant type: single nucleotide variant.
Coding change: c.6752C>T on transcript NM_001458.5 (MANE Select); coding-DNA position 6752, C replaced by T.
Protein change: p.Thr2251Ile; replaces threonine 2251 with isoleucine.
Molecular consequence: missense variant.
Genome position (GRCh38, 1-based): chr7:128,854,437, C>T. VCF-style: chr7-128854437-C-T. GRCh37 (hg19) VCF-style: chr7-128494491-C-T.
Other names: c.6653C>T, p.Thr2218Ile (NM_001127487.2); short protein forms T2218I, T2251I.
Identifiers: ClinVar variation 3749457 (VCV003749457.2).

ClinVar aggregate classification (germline): Uncertain significance (1 of 4 stars; one submission).

Conditions:
Hypertrophic cardiomyopathy 26. Also called: Cardiomyopathy, familial hypertrophic, 26. Identifiers: Orphanet 75249, MedGen C4310749, MONDO:0014883, OMIM 617047.
Myofibrillar myopathy 5. Also called: Filaminopathy (type); FILAMINOPATHY, AUTOSOMAL DOMINANT. Identifiers: Orphanet 171445, MedGen C1836050, MONDO:0012289, OMIM 609524.
Distal myopathy with posterior leg and anterior hand involvement. Also called: WILLIAMS DISTAL MYOPATHY. Identifiers: Orphanet 63273, MedGen C3279722, MONDO:0013550, OMIM 614065.

Submission:

Labcorp Genetics (formerly Invitae), Labcorp
Classification: Uncertain significance for Distal myopathy with posterior leg and anterior hand involvement; Myofibrillar myopathy 5; Hypertrophic cardiomyopathy 26. Last evaluated: 2024-04-16. Review status: criteria provided, single submitter. Criteria: Invitae Variant Classification Sherloc (09022015). Collection method: clinical testing. Allele origin: germline.
Comment: This sequence change replaces threonine, which is neutral and polar, with isoleucine, which is neutral and non-polar, at codon 2251 of the FLNC protein (p.Thr2251Ile). This variant is not present in population databases (gnomAD no frequency). This variant has not been reported in the literature in individuals affected with FLNC-related conditions. Advanced modeling of protein sequence and biophysical properties (such as structural, functional, and spatial information, amino acid conservation, physicochemical variation, residue mobility, and thermodynamic stability) performed at Invitae indicates that this missense variant is not expected to disrupt FLNC protein function with a negative predictive value of 95%. In summary, the available evidence is currently insufficient to determine the role of this variant in disease. Therefore, it has been classified as a Variant of Uncertain Significance.